The following is an entry in ClinVar:

ClinVar aggregate classification (germline): Likely pathogenic (1 of 4 stars; one submission).

Conditions:
Joubert syndrome. Also called: CEREBELLOPARENCHYMAL DISORDER IV; JOUBERT-BOLTSHAUSER SYNDROME; Familial aplasia of the vermis. Identifiers: Orphanet 475, MedGen C5979921, MONDO:0018772.
Meckel-Gruber syndrome. Also called: DYSENCEPHALIA SPLANCHNOCYSTICA; GRUBER SYNDROME; Dysencephalia splachnocystica. Identifiers: Orphanet 564, MedGen C0265215, MONDO:0018921.

Submission:

Labcorp Genetics (formerly Invitae), Labcorp
Classification: Likely pathogenic for Joubert syndrome; Meckel-Gruber syndrome. Last evaluated: 2023-04-06. Review status: criteria provided, single submitter. Criteria: Invitae Variant Classification Sherloc (09022015). Collection method: clinical testing. Allele origin: germline.
Comment: In summary, the currently available evidence indicates that the variant is pathogenic, but additional data are needed to prove that conclusively. Therefore, this variant has been classified as Likely Pathogenic. Algorithms developed to predict the effect of sequence changes on RNA splicing suggest that this variant may disrupt the consensus splice site. This variant has not been reported in the literature in individuals affected with TMEM67-related conditions. This variant is not present in population databases (gnomAD no frequency). This sequence change affects a donor splice site in intron 22 of the TMEM67 gene. It is expected to disrupt RNA splicing. Variants that disrupt the donor or acceptor splice site typically lead to a loss of protein function (PMID: 16199547), and loss-of-function variants in TMEM67 are known to be pathogenic (PMID: 20232449, 23559409).

Literature cited by the submitters: PubMed 16199547; PubMed 20232449; PubMed 23559409.

NM_153704.6(TMEM67):c.2322+1G>T

Gene: TMEM67 (transmembrane protein 67; plus strand). Cytogenetic location: 8q22.1.
Variant type: single nucleotide variant.
Coding change: c.2322+1G>T on transcript NM_153704.6 (MANE Select); the canonical splice donor site of the intron after coding-DNA position 2322, G replaced by T.
Molecular consequence: splice donor variant.
Genome position (GRCh38, 1-based): chr8:93,803,685, G>T. VCF-style: chr8-93803685-G-T. GRCh37 (hg19) VCF-style: chr8-94815913-G-T.
Other names: c.2079+1G>T (NM_001142301.1).
Identifiers: ClinVar variation 2946177 (VCV002946177.3), dbSNP rs139721499, ClinGen allele CA371697650.